The following is an entry in ClinVar:

Conditions:
Breast-ovarian cancer, familial, susceptibility to, 1 (BROVCA1). Also called: BRCA1 Hereditary Breast and Ovarian Cancer; OVARIAN CANCER, SUSCEPTIBILITY TO. Identifiers: Orphanet 145, MedGen C2676676, MONDO:0011450, OMIM 604370. Disease mechanism: loss of function.

Submission:

Brotman Baty Institute, University of Washington
No classification provided (evidence only). Condition: Breast-ovarian cancer, familial 1. Review status: no classification provided. Collection method: in vitro. Allele origin: not applicable. Functional consequence: functionally_abnormal.
ClinVar note: "not provided" was previously submitted as the classification for the variant. However, the classification appeared to be based only on an observation of functional data so it was converted to no classification on 2025-07-30.

NM_007294.4(BRCA1):c.44T>G (p.Ile15Ser)

Gene: BRCA1 (BRCA1 DNA repair associated; minus strand). Cytogenetic location: 17q21.31.
Variant type: single nucleotide variant.
Coding change: c.44T>G on transcript NM_007294.4 (MANE Select); coding-DNA position 44, T replaced by G.
Protein change: p.Ile15Ser; replaces isoleucine 15 with serine.
Molecular consequence: missense variant. On other transcripts: 5 prime UTR variant (1), non-coding transcript variant (1).
Genome position (GRCh38, 1-based): chr17:43,124,053, A>C on the plus strand (T>G on the coding strand, the complement: BRCA1 is on the minus strand). VCF-style: chr17-43124053-A-C. GRCh37 (hg19) VCF-style: chr17-41276070-A-C.
Other names: c.44T>G, p.Ile15Ser (NM_001407640.1, NM_001407641.1, NM_001407642.1 and 193 more transcripts); c.-214T>G (NM_001407694.1, NM_001407724.1, NM_001407727.1 and 11 more transcripts); c.-218T>G (NM_001407695.1, NM_001408465.1); c.-359T>G (NM_001407696.1); c.-243T>G (NM_001407697.1, NM_001407846.1, NM_001407920.1); c.-44T>G (NM_001407698.1, NM_001407732.1, NM_001407736.1 and 23 more transcripts); c.-217T>G (NM_001407725.1, NM_001407730.1, NM_001407734.1 and 22 more transcripts); c.-163T>G (NM_001407726.1, NM_001407751.1); and 8 more; short protein forms I15S.
Identifiers: ClinVar variation 867711 (VCV000867711.3), dbSNP rs80357316, ClinGen allele CA10602071.